The following is an entry in ClinVar:

NM_022455.5(NSD1):c.1204G>C (p.Gly402Arg)

Gene: NSD1 (nuclear receptor binding SET domain protein 1; plus strand). Cytogenetic location: 5q35.3.
Variant type: single nucleotide variant.
Coding change: c.1204G>C on transcript NM_022455.5 (MANE Select); coding-DNA position 1204, G replaced by C.
Protein change: p.Gly402Arg; replaces glycine 402 with arginine.
Molecular consequence: missense variant.
Genome position (GRCh38, 1-based): chr5:177,204,260, G>C. VCF-style: chr5-177204260-G-C. GRCh37 (hg19) VCF-style: chr5-176631261-G-C.
Other names: c.331G>C, p.Gly111Arg (NM_001365684.2, NM_001409306.1, NM_001409307.1 and 3 more transcripts); c.1204G>C, p.Gly402Arg (NM_001409301.1, NM_001409302.1, NM_001409303.1); c.784G>C, p.Gly262Arg (NM_001409304.1); c.451G>C, p.Gly151Arg (NM_001409305.1); short protein forms G133R, G402R, G111R, G151R, G262R.
Identifiers: ClinVar variation 1304734 (VCV001304734.4), dbSNP rs1762715103, ClinGen allele CA362305103.

ClinVar aggregate classification (germline): Uncertain significance (1 of 4 stars; one submission).

Allele frequency attached by ClinVar (database versions not stated): gnomAD exomes below 0.00001; TOPMed below 0.00001.
gnomAD v4.1: 1 of 1,614,008 alleles (0.000062%); highest among the groups gnomAD compares: Non-Finnish European, 0.000085%; no homozygotes.

Submission:

GeneDx
Classification: Uncertain significance. Last evaluated: 2025-08-19. Review status: criteria provided, single submitter. Criteria: GeneDx Variant Classification Process June 2021. Collection method: clinical testing. Allele origin: germline. Affected: yes.
Comment: Not observed at significant frequency in large population cohorts (gnomAD); In silico analysis supports that this missense variant has a deleterious effect on protein structure/function; Has not been previously published as pathogenic or benign to our knowledge